The following is an entry in ClinVar:

ClinVar aggregate classification (germline): Uncertain significance (1 of 4 stars; one submission).

gnomAD v4.1: 1 of 1,612,850 alleles (0.000062%); highest among the groups gnomAD compares: Admixed American, 0.0017%; no homozygotes.

Submission:

GeneDx
Classification: Uncertain significance. Last evaluated: 2026-03-22. Review status: criteria provided, single submitter. Criteria: GeneDx Variant Classification Process June 2021. Collection method: clinical testing. Allele origin: germline.
Comment: Reported as a heterozygous variant in a patient with autism spectrum disorder, abdominal pain, bloating, diarrhea, nausea, growth retardation and irritable bowel syndrome in the published literature; however, a second variant in SI was not reported (PMID: 39676735); Not observed at significant frequency in large population cohorts (gnomAD); In silico analysis suggests that this missense variant does not alter protein structure/function; This variant is associated with the following publications: (PMID: 39676735)

NM_001041.4(SI):c.1243T>A (p.Leu415Met)

Gene: SI (sucrase-isomaltase; minus strand). Cytogenetic location: 3q26.1.
Variant type: single nucleotide variant.
Coding change: c.1243T>A on transcript NM_001041.4 (MANE Select); coding-DNA position 1243, T replaced by A.
Protein change: p.Leu415Met; replaces leucine 415 with methionine.
Molecular consequence: missense variant.
Genome position (GRCh38, 1-based): chr3:165,059,203, A>T on the plus strand (T>A on the coding strand, the complement: SI is on the minus strand). VCF-style: chr3-165059203-A-T. GRCh37 (hg19) VCF-style: chr3-164776991-A-T.
Other names: short protein forms L415M.
Identifiers: ClinVar variation 5016894 (VCV005016894.1).